The following is an entry in ClinVar:

ClinVar aggregate classification (germline): Pathogenic (1 of 4 stars; one submission).

Conditions:
Early-infantile DEE. Also called: Ohtahara syndrome; Early infantile epileptic encephalopathy with suppression bursts; Early infantile epileptic encephalopathy. Identifiers: Orphanet 1934, MedGen C0393706, MONDO:0800491.

Submission:

Labcorp Genetics (formerly Invitae), Labcorp
Classification: Pathogenic for Early-infantile DEE. Last evaluated: 2022-07-26. Review status: criteria provided, single submitter. Criteria: Invitae Variant Classification Sherloc (09022015). Collection method: clinical testing. Allele origin: germline.
Comment: For these reasons, this variant has been classified as Pathogenic. This variant disrupts a region of the SCN1A protein in which other variant(s) (p.Arg1924Leufs*8) have been determined to be pathogenic (PMID: 27465585). This suggests that this is a clinically significant region of the protein, and that variants that disrupt it are likely to be disease-causing. This variant has not been reported in the literature in individuals affected with SCN1A-related conditions. This variant is not present in population databases (gnomAD no frequency). This sequence change creates a premature translational stop signal (p.Gln1923*) in the SCN1A gene. While this is not anticipated to result in nonsense mediated decay, it is expected to disrupt the last 87 amino acid(s) of the SCN1A protein.

Literature cited by the submitters: PubMed 27465585.

NM_001165963.4(SCN1A):c.5767C>T (p.Gln1923Ter)

Genes: SCN1A (sodium voltage-gated channel alpha subunit 1; minus strand), LOC102724058 (uncharacterized LOC102724058; plus strand). Cytogenetic location: 2q24.3.
Variant type: single nucleotide variant.
Coding change: c.5767C>T on transcript NM_001165963.4 (MANE Select); coding-DNA position 5767, C replaced by T.
Protein change: p.Gln1923Ter; replaces glutamine 1923 with a stop codon.
Molecular consequence: nonsense. On other transcripts: non-coding transcript variant (1).
Genome position (GRCh38, 1-based): chr2:165,991,508, G>A on the plus strand (C>T on the coding strand, the complement: SCN1A is on the minus strand). VCF-style: chr2-165991508-G-A. GRCh37 (hg19) VCF-style: chr2-166848018-G-A.
Other names: c.5683C>T, p.Gln1895Ter (NM_001165964.3, NM_001353957.2, NM_001353958.2); c.5767C>T, p.Gln1923Ter (NM_001202435.3, NM_001353948.2); c.5734C>T, p.Gln1912Ter (NM_001353949.2, NM_001353950.2, NM_001353951.2 and 2 more transcripts); c.5731C>T, p.Gln1911Ter (NM_001353954.2, NM_001353955.2); c.5680C>T, p.Gln1894Ter (NM_001353960.2); c.3325C>T, p.Gln1109Ter (NM_001353961.2); short protein forms Q1109*, Q1894*, Q1895*, Q1912*, Q1911*, Q1923*.
Identifiers: ClinVar variation 1962946 (VCV001962946.5), dbSNP rs1553519865, ClinGen allele CA349064049.